The following is an entry in ClinVar:

ClinVar aggregate classification (germline): Uncertain significance (1 of 4 stars; one submission).

Submission:

GeneDx
Classification: Uncertain significance. Last evaluated: 2023-12-25. Review status: criteria provided, single submitter. Criteria: GeneDx Variant Classification Process June 2021. Collection method: clinical testing. Allele origin: germline. Affected: yes.
Comment: Not observed at significant frequency in large population cohorts (gnomAD); In silico analysis supports that this missense variant does not alter protein structure/function; Has not been previously published as pathogenic or benign to our knowledge

NM_133433.4(NIPBL):c.1538A>G (p.Glu513Gly)

Gene: NIPBL (NIPBL cohesin loading factor; plus strand). Cytogenetic location: 5p13.2.
Variant type: single nucleotide variant.
Coding change: c.1538A>G on transcript NM_133433.4 (MANE Select); coding-DNA position 1538, A replaced by G.
Protein change: p.Glu513Gly; replaces glutamic acid 513 with glycine.
Molecular consequence: missense variant.
Genome position (GRCh38, 1-based): chr5:36,984,718, A>G. VCF-style: chr5-36984718-A-G. GRCh37 (hg19) VCF-style: chr5-36984820-A-G.
Other names: c.1538A>G, p.Glu513Gly (NM_015384.5); short protein forms E513G.
Identifiers: ClinVar variation 3370128 (VCV003370128.1).